The following is an entry in ClinVar:

NM_001079537.2(TRAPPC6B):c.48T>C (p.Ser16=)

Gene: TRAPPC6B (trafficking protein particle complex subunit 6B; minus strand). Cytogenetic location: 14q21.1.
Variant type: single nucleotide variant.
Coding change: c.48T>C on transcript NM_001079537.2 (MANE Select); coding-DNA position 48, T replaced by C.
Protein change: p.Ser16=; no amino-acid change (serine 16 retained).
Molecular consequence: synonymous variant.
Genome position (GRCh38, 1-based): chr14:39,170,048, A>G on the plus strand (T>C on the coding strand, the complement: TRAPPC6B is on the minus strand). VCF-style: chr14-39170048-A-G. GRCh37 (hg19) VCF-style: chr14-39639252-A-G.
Other names: c.48T>C, p.Ser16= (NM_177452.4).
Identifiers: ClinVar variation 4992542 (VCV004992542.1).

ClinVar aggregate classification (germline): Likely benign (1 of 4 stars; one submission).

Conditions:
TRAPPC6B-related disorder. Also called: TRAPPC6B-related condition.

gnomAD v4.1: 1 of 1,614,220 alleles (0.000062%); no homozygotes.

Submission:

PreventionGenetics, part of Exact Sciences
Classification: Likely benign for TRAPPC6B-related condition. Last evaluated: 2025-08-20. Review status: criteria provided, single submitter. Criteria: ACMG Guidelines, 2015. Collection method: clinical testing. Allele origin: germline.
Comment: This variant is classified as likely benign based on ACMG/AMP sequence variant interpretation guidelines (Richards et al. 2015 PMID: 25741868, with internal and published modifications).